The following is an entry in ClinVar:

ClinVar aggregate classification (germline): Uncertain significance (1 of 4 stars; one submission).

Conditions:
Melnick-Needles syndrome (MNS). Also called: MELNICK-NEEDLES OSTEODYSPLASTY; OSTEODYSPLASTY OF MELNICK AND NEEDLES; Melnick-Needles Syndrome (FLNA-MNS). Identifiers: Orphanet 2484, MedGen C0025237, MONDO:0010650, OMIM 309350.
Frontometaphyseal dysplasia (FMD1). Identifiers: Orphanet 1826, MedGen C0265293, MONDO:0015942.
Heterotopia, periventricular, X-linked dominant (PVNH1). Also called: PERIVENTRICULAR NODULAR HETEROTOPIA 1; X-linked periventricular heterotopia; PERIVENTRICULAR NODULAR HETEROTOPIA 4; HETEROTOPIA, PERIVENTRICULAR, 1. Identifiers: Orphanet 2149, Orphanet 82004, MedGen C1848213, MONDO:0010233, OMIM 300049.
Oto-palato-digital syndrome, type II (OPD2). Also called: FACIOPALATOOSSEOUS SYNDROME; OPD II SYNDROME; Otopalatodigital Syndrome, Type II; Otopalatodigital Syndrome Type 2 (FLNA-OPD2). Identifiers: Orphanet 669, Orphanet 90652, MedGen C1844696, MONDO:0010571, OMIM 304120.

Submission:

Labcorp Genetics (formerly Invitae), Labcorp
Classification: Uncertain significance for Oto-palato-digital syndrome, type II; Heterotopia, periventricular, X-linked dominant; Frontometaphyseal dysplasia; Melnick-Needles syndrome. Last evaluated: 2024-01-31. Review status: criteria provided, single submitter. Criteria: Invitae Variant Classification Sherloc (09022015). Collection method: clinical testing. Allele origin: germline.
Comment: This sequence change replaces alanine, which is neutral and non-polar, with valine, which is neutral and non-polar, at codon 964 of the FLNA protein (p.Ala964Val). This variant is not present in population databases (gnomAD no frequency). This variant has not been reported in the literature in individuals affected with FLNA-related conditions. Advanced modeling of protein sequence and biophysical properties (such as structural, functional, and spatial information, amino acid conservation, physicochemical variation, residue mobility, and thermodynamic stability) performed at Invitae indicates that this missense variant is not expected to disrupt FLNA protein function with a negative predictive value of 95%. In summary, the available evidence is currently insufficient to determine the role of this variant in disease. Therefore, it has been classified as a Variant of Uncertain Significance.

NM_001110556.2(FLNA):c.2891C>T (p.Ala964Val)

Gene: FLNA (filamin A; minus strand). Cytogenetic location: Xq28.
Variant type: single nucleotide variant.
Coding change: c.2891C>T on transcript NM_001110556.2 (MANE Select); coding-DNA position 2891, C replaced by T.
Protein change: p.Ala964Val; replaces alanine 964 with valine.
Molecular consequence: missense variant.
Genome position (GRCh38, 1-based): chrX:154,361,723, G>A on the plus strand (C>T on the coding strand, the complement: FLNA is on the minus strand). VCF-style: chrX-154361723-G-A. GRCh37 (hg19) VCF-style: chrX-153590091-G-A.
Other names: c.2891C>T, p.Ala964Val (NM_001456.4); short protein forms A964V.
Identifiers: ClinVar variation 3750056 (VCV003750056.2).
Genomic context (GRCh38, chrX:154,361,723, plus strand): 5'-TACTTACTCTCTCCCAGGCCAGACACCTTGATCTTGCTGAGGTCCAGGCTTGGAGATACT[G>A]CCACTGAGAAAGGGCTCTTAGGGATGGGATCCCCTCCATAAGTGACATTGACGCCTACTG-3'
Protein context (NP_001104026.1, residues 954-974): DPIPKSPFSV[Ala964Val]VSPSLDLSKI